The following is an entry in ClinVar:

ClinVar aggregate classification (germline): Uncertain significance (1 of 4 stars; one submission).

Conditions:
Sialuria. Also called: SIALURIA, FRENCH TYPE; Sialic Acid Storage Disease. Identifiers: Orphanet 3166, MedGen C0342853, MONDO:0010028, OMIM 269921.
GNE myopathy (NM). Also called: INCLUSION BODY MYOPATHY 2, AUTOSOMAL RECESSIVE; MYOPATHY, DISTAL, WITH OR WITHOUT RIMMED VACUOLES; IBM 2; Inclusion body myopathy autosomal recessive; Inclusion body myopathy quadriceps sparing; NONAKA DISTAL MYOPATHY. Identifiers: Orphanet 602, MedGen C1853926, MONDO:0011603, OMIM 605820.

Submission:

Labcorp Genetics (formerly Invitae), Labcorp
Classification: Uncertain significance for Sialuria; GNE myopathy. Last evaluated: 2022-07-21. Review status: criteria provided, single submitter. Criteria: Invitae Variant Classification Sherloc (09022015). Collection method: clinical testing. Allele origin: germline.
Comment: This sequence change replaces valine, which is neutral and non-polar, with isoleucine, which is neutral and non-polar, at codon 140 of the GNE protein (p.Val140Ile). This variant is not present in population databases (gnomAD no frequency). This variant has not been reported in the literature in individuals affected with GNE-related conditions. ClinVar contains an entry for this variant (Variation ID: 1385926). Algorithms developed to predict the effect of missense changes on protein structure and function (SIFT, PolyPhen-2, Align-GVGD) all suggest that this variant is likely to be disruptive. In summary, the available evidence is currently insufficient to determine the role of this variant in disease. Therefore, it has been classified as a Variant of Uncertain Significance.

NM_005476.7(GNE):c.325G>A (p.Val109Ile)

Gene: GNE (glucosamine (UDP-N-acetyl)-2-epimerase/N-acetylmannosamine kinase; minus strand). Cytogenetic location: 9p13.3.
Variant type: single nucleotide variant.
Coding change: c.325G>A on transcript NM_005476.7 (MANE Select); coding-DNA position 325, G replaced by A.
Protein change: p.Val109Ile; replaces valine 109 with isoleucine.
Molecular consequence: missense variant.
Genome position (GRCh38, 1-based): chr9:36,246,322, C>T on the plus strand (G>A on the coding strand, the complement: GNE is on the minus strand). VCF-style: chr9-36246322-C-T. GRCh37 (hg19) VCF-style: chr9-36246319-C-T.
Other names: c.418G>A, p.Val140Ile (NM_001128227.3); c.325G>A, p.Val109Ile (NM_001190383.3, NM_001374797.1); c.148G>A, p.Val50Ile (NM_001190384.3, NM_001190388.2, NM_001374798.1); short protein forms V50I, V140I, V109I.
Identifiers: ClinVar variation 1385926 (VCV001385926.3), dbSNP rs2133113097, ClinGen allele CA373419499.